The following is an entry in ClinVar:

NM_001165963.4(SCN1A):c.314C>T (p.Thr105Ile)

Gene: SCN1A (sodium voltage-gated channel alpha subunit 1; minus strand). Cytogenetic location: 2q24.3.
Variant type: single nucleotide variant.
Coding change: c.314C>T on transcript NM_001165963.4 (MANE Select); coding-DNA position 314, C replaced by T.
Protein change: p.Thr105Ile; replaces threonine 105 with isoleucine.
Molecular consequence: missense variant. On other transcripts: 5 prime UTR variant (1), non-coding transcript variant (1).
Genome position (GRCh38, 1-based): chr2:166,058,639, G>A on the plus strand (C>T on the coding strand, the complement: SCN1A is on the minus strand). VCF-style: chr2-166058639-G-A. GRCh37 (hg19) VCF-style: chr2-166915149-G-A.
Other names: p.T105I:ACC>ATC; c.314C>T, p.Thr105Ile (NM_001165964.3, NM_001202435.3, NM_001353948.2 and 10 more transcripts); c.-2112C>T (NM_001353961.2); short protein forms T105I.
Identifiers: ClinVar variation 206927 (VCV000206927.40), dbSNP rs796053089, ClinGen allele CA317748.

ClinVar aggregate classification (germline): Pathogenic/Likely pathogenic. Review status: criteria provided, multiple submitters, no conflicts (2 of 4 stars). 2 submissions from 2 submitters: Pathogenic (1); Likely pathogenic (1). Last evaluated 2020-09-01.

Submissions (2):

CeGaT Center for Human Genetics Tuebingen
Classification: Likely pathogenic. Last evaluated: 2020-09-01. Review status: criteria provided, single submitter. Criteria: CeGaT Center For Human Genetics Tuebingen Variant Classification Criteria Version 2. Collection method: clinical testing. Allele origin: germline. Affected: yes. Observed: 1 variant allele.

GeneDx
Classification: Pathogenic. Last evaluated: 2015-01-07. Review status: criteria provided, single submitter. Criteria: GeneDx Variant Classification (06012015). Collection method: clinical testing. Allele origin: germline. Affected: yes.
Comment: p.Thr105Ile (ACC>ATC): c.314 C>T in exon 2 of the SCN1A gene (NM_001165963.1) The T105I missense mutation in the SCN1A gene has been reported previously in an individual with severe myoclonic epilepsy of infancy (SMEI) (Wang et al., 2012). It was not observed in approximately 6,500 individuals of European and African American ancestry in the NHLBI Exome Sequencing Project, indicating it is not a common benign variant in these populations. T105I is a non-conservative amino acid substitution that alters a conserved position in the N-terminal region of the SCN1A protein. Additionally, several other missense mutations affecting nearby residues (S103G, A104V, S106F, L108R) have been reported in association with SCN1A-related disorders in an external mutation database, supporting the functional importance of this region of the SCN1A protein. Therefore, the presence of the T105I mutation is consistent with a diagnosis of a SCN1A-related disorder. The variant is found in INFANTV2-EPIV2-1 panel(s).